The following is an entry in ClinVar:

ClinVar aggregate classification (germline): Uncertain significance (1 of 4 stars; one submission).

Allele frequency attached by ClinVar (database versions not stated): gnomAD exomes below 0.00001; gnomAD 0.00002; TOPMed 0.00002.
gnomAD v4.1: 4 of 1,613,112 alleles (0.00025%); highest among the groups gnomAD compares: Non-Finnish European, 0.00034%; no homozygotes.

Submission:

Labcorp Genetics (formerly Invitae), Labcorp
Classification: Uncertain significance. Last evaluated: 2025-03-18. Review status: criteria provided, single submitter. Criteria: Invitae Variant Classification Sherloc (09022015). Collection method: clinical testing. Allele origin: germline.
Comment: This sequence change replaces isoleucine, which is neutral and non-polar, with threonine, which is neutral and polar, at codon 635 of the KCNQ5 protein (p.Ile635Thr). This variant is not present in population databases (gnomAD no frequency). This variant has not been reported in the literature in individuals affected with KCNQ5-related conditions. ClinVar contains an entry for this variant (Variation ID: 2958467). Invitae Evidence Modeling of protein sequence and biophysical properties (such as structural, functional, and spatial information, amino acid conservation, physicochemical variation, residue mobility, and thermodynamic stability) has been performed for this missense variant. However, the output from this modeling did not meet the statistical confidence thresholds required to predict the impact of this variant on KCNQ5 protein function. In summary, the available evidence is currently insufficient to determine the role of this variant in disease. Therefore, it has been classified as a Variant of Uncertain Significance.

NM_019842.4(KCNQ5):c.1847T>C (p.Ile616Thr)

Gene: KCNQ5 (potassium voltage-gated channel subfamily Q member 5; plus strand). Cytogenetic location: 6q13.
Variant type: single nucleotide variant.
Coding change: c.1847T>C on transcript NM_019842.4 (MANE Select); coding-DNA position 1847, T replaced by C.
Protein change: p.Ile616Thr; replaces isoleucine 616 with threonine.
Molecular consequence: missense variant.
Genome position (GRCh38, 1-based): chr6:73,194,462, T>C. VCF-style: chr6-73194462-T-C. GRCh37 (hg19) VCF-style: chr6-73904185-T-C.
Other names: c.1517T>C, p.Ile506Thr (NM_001160134.2); c.1820T>C, p.Ile607Thr (NM_001160130.2); c.1877T>C, p.Ile626Thr (NM_001160132.2); c.1904T>C, p.Ile635Thr (NM_001160133.2); short protein forms I635T, I506T, I616T, I626T, I607T.
Identifiers: ClinVar variation 2958467 (VCV002958467.3), dbSNP rs1385944482, ClinGen allele CA364693986.